The following is an entry in ClinVar:

ClinVar aggregate classification (germline): Likely benign (1 of 4 stars; one submission).

gnomAD v4.1: 44 of 1,611,736 alleles (0.0027%); highest among the groups gnomAD compares: East Asian, 0.089%; no homozygotes.

Submission:

CeGaT Center for Human Genetics Tuebingen
Classification: Likely benign. Last evaluated: 2025-11-01. Review status: criteria provided, single submitter. Criteria: CeGaT Center For Human Genetics Tuebingen Variant Classification Criteria Version 2. Collection method: clinical testing. Allele origin: germline. Affected: yes. Observed: 1 variant allele.
Comment: VPS16: BP4, BP7

NM_022575.4(VPS16):c.60T>C (p.Tyr20=)

Gene: VPS16 (VPS16 core subunit of CORVET and HOPS complexes; plus strand). Cytogenetic location: 20p13.
Variant type: single nucleotide variant.
Coding change: c.60T>C on transcript NM_022575.4 (MANE Select); coding-DNA position 60, T replaced by C.
Protein change: p.Tyr20=; no amino-acid change (tyrosine 20 retained).
Molecular consequence: synonymous variant.
Genome position (GRCh38, 1-based): chr20:2,859,725, T>C. VCF-style: chr20-2859725-T-C. GRCh37 (hg19) VCF-style: chr20-2840371-T-C.
Other names: c.60T>C, p.Tyr20= (NM_080413.3).
Identifiers: ClinVar variation 4534361 (VCV004534361.6).